The following is an entry in ClinVar:

NM_018896.5(CACNA1G):c.6394C>T (p.Arg2132Cys)

Gene: CACNA1G (calcium voltage-gated channel subunit alpha1 G; plus strand). Cytogenetic location: 17q21.33.
Variant type: single nucleotide variant.
Coding change: c.6394C>T on transcript NM_018896.5 (MANE Select); coding-DNA position 6394, C replaced by T.
Protein change: p.Arg2132Cys; replaces arginine 2132 with cysteine.
Molecular consequence: missense variant. On other transcripts: non-coding transcript variant (5).
Genome position (GRCh38, 1-based): chr17:50,624,524, C>T. VCF-style: chr17-50624524-C-T. GRCh37 (hg19) VCF-style: chr17-48701885-C-T.
Other names: c.6205C>T, p.Arg2069Cys (NM_001256324.2); c.6136C>T, p.Arg2046Cys (NM_001256325.2); c.6124C>T, p.Arg2042Cys (NM_001256326.2); c.6094C>T, p.Arg2032Cys (NM_001256327.2); c.6040C>T, p.Arg2014Cys (NM_001256328.2); c.6013C>T, p.Arg2005Cys (NM_001256329.2, NM_198376.3, NM_198387.3); c.5980C>T, p.Arg1994Cys (NM_001256330.2); c.5959C>T, p.Arg1987Cys (NM_001256331.2); and 16 more; short protein forms R1982C, R1987C, R1994C, R1998C, R2001C, R2003C, R2005C, R2012C.
Identifiers: ClinVar variation 2647932 (VCV002647932.27), dbSNP rs780662520, ClinGen allele CA8653648.

ClinVar aggregate classification (germline): Uncertain significance. Review status: criteria provided, multiple submitters, no conflicts (2 of 4 stars). 3 submissions from 3 submitters: Uncertain significance (2). 1 of the submissions does not count toward it. Last evaluated 2026-07-31.

Conditions:
Spinocerebellar ataxia type 42. Identifiers: Orphanet 458803, MedGen C4225205, MONDO:0014776, OMIM 616795.

Allele frequency attached by ClinVar (database versions not stated): TOPMed below 0.00001; ExAC 0.00003.
gnomAD v4.1: 6 of 1,586,318 alleles (0.00038%); highest among the groups gnomAD compares: Admixed American, 0.0018%; no homozygotes.

Submissions (3):

GeneDx
Classification: Uncertain significance. Last evaluated: 2026-07-31. Review status: criteria provided, single submitter. Criteria: GeneDx Variant Classification Process June 2021. Collection method: clinical testing. Allele origin: germline.
Comment: Identified in a patient with microcephaly, seizures, and neurodevelopmental delay in published literature; however, segregation information was not provided (PMID: 39825153); Not observed at significant frequency in large population cohorts (gnomAD); In silico analysis supports that this missense variant has a deleterious effect on protein structure/function; This variant is associated with the following publications: (PMID: 39825153)

CeGaT Center for Human Genetics Tuebingen
Classification: Uncertain significance. Last evaluated: 2022-10-01. Review status: criteria provided, single submitter. Criteria: CeGaT Center For Human Genetics Tuebingen Variant Classification Criteria Version 2. Collection method: clinical testing. Allele origin: germline. Affected: yes. Observed: 1 variant allele.
Comment: CACNA1G: PM2

Solve-RD Consortium
Classification: Likely pathogenic for Spinocerebellar ataxia type 42. Last evaluated: 2022-06-01. Review status: no assertion criteria provided. Collection method: provider interpretation. Allele origin: inherited. Affected: yes. Not counted in ClinVar's aggregate classification.
Comment: Variant confirmed as disease-causing by referring clinical team

Variant identified during reanalysis of unsolved cases by the Solve-RD project. The Solve-RD project has received funding from the European Union’s Horizon 2020 research and innovation programme under grant agreement No 779257.

Literature cited by the submitters: PubMed 39825153 (cited by Solve-RD Consortium).